The following is an entry in ClinVar:

NM_001365276.2(TNXB):c.6616A>G (p.Thr2206Ala)

Gene: TNXB (tenascin XB; minus strand). Cytogenetic location: 6p21.33.
Variant type: single nucleotide variant.
Coding change: c.6616A>G on transcript NM_001365276.2 (MANE Select); coding-DNA position 6616, A replaced by G.
Protein change: p.Thr2206Ala; replaces threonine 2206 with alanine.
Molecular consequence: missense variant.
Genome position (GRCh38, 1-based): chr6:32,065,046, T>C on the plus strand (A>G on the coding strand, the complement: TNXB is on the minus strand). VCF-style: chr6-32065046-T-C. GRCh37 (hg19) VCF-style: chr6-32032823-T-C.
Other names: p.Thr2206Ala; c.6616A>G, p.Thr2206Ala (NM_019105.8); short protein forms T2206A.
Identifiers: ClinVar variation 2593669 (VCV002593669.4), dbSNP rs371672736, ClinGen allele CA3734374.
Genomic context (GRCh38, chr6:32,065,046, plus strand): 5'-CCAAGAAATGGTCAAACTGGCCCTCGGGGACTGTCCAGGAGAGGCTGAGGGAGTCGGAGG[T>C]GATGTCTCTCACTGTCATCTGCCCTAGGCGCAGCTTTGCAAGAGGAGCATCAGGGGACTC-3'
Protein context (NP_001352205.1, residues 2196-2216): RLGQMTVRDI[Thr2206Ala]SDSLSLSWTV

ClinVar aggregate classification (germline): Uncertain significance. Review status: criteria provided, multiple submitters, no conflicts (2 of 4 stars). 3 submissions from 3 submitters: Uncertain significance (3). Last evaluated 2024-06-25.

Conditions:
Cardiovascular phenotype. Identifiers: MedGen CN230736.

Allele frequency attached by ClinVar (database versions not stated): ExAC 0.00001; TOPMed 0.00002; gnomAD 0.00003; gnomAD exomes 0.00003; ESP Exome Variant Server 0.00013.
gnomAD v4.1: 40 of 1,605,136 alleles (0.0025%); highest among the groups gnomAD compares: Non-Finnish European, 0.0033%; no homozygotes.

Submissions (3):

Mayo Clinic Laboratories, Mayo Clinic
Classification: Uncertain significance. Last evaluated: 2024-06-25. Review status: criteria provided, single submitter. Criteria: ACMG Guidelines, 2015. Collection method: clinical testing. Allele origin: germline. Observed: 1 variant allele.
Comment: BP4

Ambry Genetics
Classification: Uncertain significance for Cardiovascular phenotype. Last evaluated: 2023-07-01. Review status: criteria provided, single submitter. Criteria: Ambry Variant Classification Scheme 2023. Collection method: clinical testing. Allele origin: germline.
Comment: The p.T2206A variant (also known as c.6616A>G), located in coding exon 18 of the TNXB gene, results from an A to G substitution at nucleotide position 6616. The threonine at codon 2206 is replaced by alanine, an amino acid with similar properties. This amino acid position is conserved. In addition, this alteration is predicted to be tolerated by in silico analysis. Since supporting evidence is limited at this time, the clinical significance of this alteration remains unclear.

GeneDx
Classification: Uncertain significance. Last evaluated: 2021-06-02. Review status: criteria provided, single submitter. Criteria: GeneDx Variant Classification Process June 2021. Collection method: clinical testing. Allele origin: germline. Affected: yes.
Comment: Has not been previously published as pathogenic or benign to our knowledge; Not observed at significant frequency in large population cohorts (gnomAD); In silico analysis supports that this missense variant does not alter protein structure/function; This variant is associated with the following publications: (PMID: 27535533)